The following is an entry in ClinVar:

NM_004304.5(ALK):c.3578T>C (p.Phe1193Ser)

Gene: ALK (ALK receptor tyrosine kinase; minus strand). Cytogenetic location: 2p23.2.
Variant type: single nucleotide variant.
Coding change: c.3578T>C on transcript NM_004304.5 (MANE Select); coding-DNA position 3578, T replaced by C.
Protein change: p.Phe1193Ser; replaces phenylalanine 1193 with serine.
Molecular consequence: missense variant.
Genome position (GRCh38, 1-based): chr2:29,220,773, A>G on the plus strand (T>C on the coding strand, the complement: ALK is on the minus strand). VCF-style: chr2-29220773-A-G. GRCh37 (hg19) VCF-style: chr2-29443639-A-G.
Other names: c.374T>C, p.Phe125Ser (NM_001353765.2); short protein forms F1193S, F125S.
Identifiers: ClinVar variation 2772170 (VCV002772170.3), dbSNP rs2148166532, ClinGen allele CA346473077.

ClinVar aggregate classification (germline): Uncertain significance (1 of 4 stars; one submission).

Conditions:
Neuroblastoma, susceptibility to, 3. Also called: ALK-Related Neuroblastic Tumor Susceptibility. Identifiers: Orphanet 635, MedGen C2751681, MONDO:0013083, OMIM 613014.

Submission:

Labcorp Genetics (formerly Invitae), Labcorp
Classification: Uncertain significance for Neuroblastoma, susceptibility to, 3. Last evaluated: 2023-10-28. Review status: criteria provided, single submitter. Criteria: Invitae Variant Classification Sherloc (09022015). Collection method: clinical testing. Allele origin: germline.
Comment: This sequence change replaces phenylalanine, which is neutral and non-polar, with serine, which is neutral and polar, at codon 1193 of the ALK protein (p.Phe1193Ser). This variant is not present in population databases (gnomAD no frequency). This variant has not been reported in the literature in individuals affected with ALK-related conditions. An algorithm developed to predict the effect of missense changes on protein structure and function (PolyPhen-2) suggests that this variant is likely to be disruptive. In summary, the available evidence is currently insufficient to determine the role of this variant in disease. Therefore, it has been classified as a Variant of Uncertain Significance.